The following is an entry in ClinVar:

ClinVar aggregate classification (germline): Likely pathogenic (1 of 4 stars; one submission).

Conditions:
Neurodevelopmental disorder with language impairment and behavioral abnormalities. Also called: GRIA2-related neurodevelopmental disorder. Identifiers: MedGen C5394502, MONDO:0030060, OMIM 618917.

Submission:

Clinical Genomic Analysis (GENYSIS) Core, University of North Carolina at Chapel Hill
Classification: Likely pathogenic for Neurodevelopmental disorder with language impairment and behavioral abnormalities. Last evaluated: 2023-03-14. Review status: criteria provided, single submitter. Criteria: ACMG Guidelines, 2015. Collection method: research. Allele origin: de novo. Affected: yes. Observed: 1 heterozygote. Study: UNC Genetic Determinants of Neurological and Developmental Disorders (GDNDD) Study.
Comment: GRIA2 c.1565C>G, p.(Ser522Cys), is a missense variant that changes a single amino acid from a highly conserved serine to a cysteine in the S1 glutamate-binding domain. The GRIA2 c.1565C>G variant has not previously been reported in the ClinVar database and is not present in control individuals in the gnomADv3.1 population database. The GRIA2 gene is highly constrained for missense variants and multiple in silico models predict that the c.1565C>G variant has a damaging effect on the protein. Based on the available information, we consider this variant likely pathogenic. ACMG codes: PS2 (confirmed de novo), PM2_Supporting (absent from gnomAD), PP2 (missense z-score > 3.09), PP3 (REVEL score between 0.644 and 0.773).

NM_001083619.3(GRIA2):c.1565C>G (p.Ser522Cys)

Gene: GRIA2 (glutamate ionotropic receptor AMPA type subunit 2; plus strand). Cytogenetic location: 4q32.1.
Variant type: single nucleotide variant.
Coding change: c.1565C>G on transcript NM_001083619.3 (MANE Select); coding-DNA position 1565, C replaced by G.
Protein change: p.Ser522Cys; replaces serine 522 with cysteine.
Molecular consequence: missense variant.
Genome position (GRCh38, 1-based): chr4:157,336,468, C>G. VCF-style: chr4-157336468-C-G. GRCh37 (hg19) VCF-style: chr4-158257620-C-G.
Other names: c.1565C>G, p.Ser522Cys (NM_000826.6); c.1424C>G, p.Ser475Cys (NM_001083620.3, NM_001379000.3, NM_001379001.3); short protein forms S475C, S522C.
Identifiers: ClinVar variation 3896725 (VCV003896725.2).
Genomic context (GRCh38, chr4:157,336,468, plus strand): 5'-TTACCCTTGTGAGAGAAGAGGTGATTGACTTCTCAAAGCCCTTCATGAGCCTCGGGATAT[C>G]TATCATGATCAAGAAGCCTCAGAAGTCCAAACCAGGAGTGTTTTCCTTTCTTGATCCTTT-3'
Protein context (NP_001077088.2, residues 512-532): FSKPFMSLGI[Ser522Cys]IMIKKPQKSK